The following is an entry in ClinVar:

ClinVar aggregate classification (germline): Uncertain significance. Review status: criteria provided, multiple submitters, no conflicts (2 of 4 stars). 4 submissions from 4 submitters: Uncertain significance (4). Last evaluated 2025-11-08.

Conditions:
Arrhythmogenic right ventricular cardiomyopathy (ARVD). Also called: Arrhythmogenic cardiomyopathy; Cardiomyopathy, ARVC; Arrhythmogenic right ventricular dysplasia; Arrhythmogenic Right Ventricular Cardiomyopathy (ARVC). Identifiers: Orphanet 247, MedGen C0349788, MeSH D019571, MONDO:0016587. Disease mechanism: loss of function. Inheritance: Various modes of inheritance.
Cardiomyopathy (CMYO). Also called: Cardiomyopathies. Identifiers: Orphanet 167848, MedGen C0878544, MONDO:0004994, HP:0001638. Inheritance: Various modes of inheritance.
Cardiovascular phenotype. Identifiers: MedGen CN230736.
Arrhythmogenic right ventricular dysplasia 10. Also called: Arrhythmogenic Right Ventricular Dysplasia/Cardiomyopathy10; ARRHYTHMOGENIC RIGHT VENTRICULAR DYSPLASIA, FAMILIAL, 10; Arrhythmogenic right ventricular dysplasia/cardiomyopathy, type 10. Identifiers: MedGen C1857777, MONDO:0012434, OMIM 610193.

Allele frequency attached by ClinVar (database versions not stated): gnomAD 0.00001; TOPMed 0.00002.
gnomAD v4.1: 113 of 1,614,068 alleles (0.007%); highest among the groups gnomAD compares: Non-Finnish European, 0.0095%; no homozygotes.

Submissions (4):

Labcorp Genetics (formerly Invitae), Labcorp
Classification: Uncertain significance for Arrhythmogenic right ventricular dysplasia 10. Last evaluated: 2025-11-08. Review status: criteria provided, single submitter. Criteria: Invitae Variant Classification Sherloc (09022015). Collection method: clinical testing. Allele origin: germline.
Comment: This sequence change replaces isoleucine, which is neutral and non-polar, with valine, which is neutral and non-polar, at codon 739 of the DSG2 protein (p.Ile739Val). This variant is present in population databases (rs772240008, gnomAD 0.002%). This missense change has been observed in individual(s) with dilated cardiomyopathy (PMID: 31983221). ClinVar contains an entry for this variant (Variation ID: 927083). Invitae Evidence Modeling of protein sequence and biophysical properties (such as structural, functional, and spatial information, amino acid conservation, physicochemical variation, residue mobility, and thermodynamic stability) indicates that this missense variant is not expected to disrupt DSG2 protein function with a negative predictive value of 95%. In summary, the available evidence is currently insufficient to determine the role of this variant in disease. Therefore, it has been classified as a Variant of Uncertain Significance.

All of Us Research Program, National Institutes of Health
Classification: Uncertain significance for Arrhythmogenic right ventricular cardiomyopathy. Last evaluated: 2024-06-11. Review status: criteria provided, single submitter. Criteria: ACMG Guidelines, 2015. Collection method: clinical testing. Allele origin: germline. Inheritance: Autosomal dominant inheritance. Observed: 9 variant alleles, 9 heterozygotes.
Comment: This missense variant replaces isoleucine with valine at codon 739 of the DSG2 protein. Computational prediction suggests that this variant may not impact protein structure and function (internally defined REVEL score threshold <= 0.5, PMID: 27666373). To our knowledge, functional studies have not been reported for this variant. This variant has been reported in an individual affected with dilated cardiomyopathy (PMID: 31983221). This variant has been identified in 2/249390 chromosomes in the general population by the Genome Aggregation Database (gnomAD). The available evidence is insufficient to determine the role of this variant in disease conclusively. Therefore, this variant is classified as a Variant of Uncertain Significance.

This study involves interpretation of variants in research participants for the purpose of population health screening. Participant phenotype was not available at the time of variant classification. Additional details can be found in publication PMID: 35346344, PMCID: PMC8962531

Color Diagnostics, LLC DBA Color Health
Classification: Uncertain significance for Cardiomyopathy. Last evaluated: 2023-12-05. Review status: criteria provided, single submitter. Criteria: ACMG Guidelines, 2015. Collection method: clinical testing. Allele origin: germline.
Comment: This missense variant replaces isoleucine with valine at codon 739 of the DSG2 protein. Computational prediction suggests that this variant may not impact protein structure and function (internally defined REVEL score threshold <= 0.5, PMID: 27666373). To our knowledge, functional studies have not been reported for this variant. This variant has been reported in an individual affected with dilated cardiomyopathy (PMID: 31983221). This variant has been identified in 2/249390 chromosomes in the general population by the Genome Aggregation Database (gnomAD). The available evidence is insufficient to determine the role of this variant in disease conclusively. Therefore, this variant is classified as a Variant of Uncertain Significance.

Ambry Genetics
Classification: Uncertain significance for Cardiovascular phenotype. Last evaluated: 2021-10-20. Review status: criteria provided, single submitter. Criteria: Ambry Variant Classification Scheme 2023. Collection method: clinical testing. Allele origin: germline.
Comment: The p.I739V variant (also known as c.2215A>G), located in coding exon 14 of the DSG2 gene, results from an A to G substitution at nucleotide position 2215. The isoleucine at codon 739 is replaced by valine, an amino acid with highly similar properties. This alteration has been reported in a dilated cardiomyopathy (DCM) cohort; however, clinical details were limited (Mazzarotto F et al. Circulation, 2020 02;141:387-398). This amino acid position is poorly conserved in available vertebrate species. In addition, this alteration is predicted to be tolerated by in silico analysis. Since supporting evidence is limited at this time, the clinical significance of this alteration remains unclear.

Literature cited by the submitters: PubMed 31983221 (cited by 4 submitters).

NM_001943.5(DSG2):c.2215A>G (p.Ile739Val)

Genes: DSG2 (desmoglein 2; plus strand), DSG2-AS1 (DSG2 antisense RNA 1; minus strand). Cytogenetic location: 18q12.1.
Variant type: single nucleotide variant.
Coding change: c.2215A>G on transcript NM_001943.5 (MANE Select); coding-DNA position 2215, A replaced by G.
Protein change: p.Ile739Val; replaces isoleucine 739 with valine.
Molecular consequence: missense variant.
Genome position (GRCh38, 1-based): chr18:31,542,733, A>G. VCF-style: chr18-31542733-A-G. GRCh37 (hg19) VCF-style: chr18-29122696-A-G.
Other names: short protein forms I739V.
Identifiers: ClinVar variation 927083 (VCV000927083.15), dbSNP rs772240008, ClinGen allele CA045226.
Genomic context (GRCh38, chr18:31,542,733, plus strand): 5'-GAAGAACACAGAAGCCTGCTTTCTGGTAGAGCTACCCAGTTTACAGGGGCCACAGGCGCT[A>G]TCATGACCACTGAAACCACGAAGACCGCAAGGGCCACAGGGGCTTCCAGAGACATGGCCG-3'
Protein context (NP_001934.2, residues 729-749): ATQFTGATGA[Ile739Val]MTTETTKTAR